The following is an entry in ClinVar:

NM_006206.6(PDGFRA):c.452G>C (p.Arg151Pro)

Gene: PDGFRA (platelet derived growth factor receptor alpha; plus strand). Cytogenetic location: 4q12.
Variant type: single nucleotide variant.
Coding change: c.452G>C on transcript NM_006206.6 (MANE Select); coding-DNA position 452, G replaced by C.
Protein change: p.Arg151Pro; replaces arginine 151 with proline.
Molecular consequence: missense variant.
Genome position (GRCh38, 1-based): chr4:54,263,751, G>C. VCF-style: chr4-54263751-G-C. GRCh37 (hg19) VCF-style: chr4-55129918-G-C.
Other names: c.452G>C, p.Arg151Pro (NM_001347827.2, NM_001347829.2); c.527G>C, p.Arg176Pro (NM_001347828.2); c.491G>C, p.Arg164Pro (NM_001347830.2); short protein forms R164P, R176P, R151P.
Identifiers: ClinVar variation 1367118 (VCV001367118.8), dbSNP rs1060501501, ClinGen allele CA356889858.

ClinVar aggregate classification (germline): Uncertain significance (1 of 4 stars; one submission).

Conditions:
Gastrointestinal stromal tumor. Also called: Gastrointestinal stroma tumor; Gastrointestinal stromal tumor, somatic. Identifiers: Orphanet 44890, MedGen C0238198, MeSH D046152, MONDO:0011719, OMIM 606764, HP:0100723.

Submission:

Labcorp Genetics (formerly Invitae), Labcorp
Classification: Uncertain significance for Gastrointestinal stromal tumor. Last evaluated: 2021-01-27. Review status: criteria provided, single submitter. Criteria: Invitae Variant Classification Sherloc (09022015). Collection method: clinical testing. Allele origin: germline.
Comment: In summary, the available evidence is currently insufficient to determine the role of this variant in disease. Therefore, it has been classified as a Variant of Uncertain Significance. Algorithms developed to predict the effect of missense changes on protein structure and function are either unavailable or do not agree on the potential impact of this missense change (SIFT: "Deleterious"; PolyPhen-2: "Possibly Damaging"; Align-GVGD: "Class C0"). This variant has not been reported in the literature in individuals with PDGFRA-related conditions. This variant is not present in population databases (ExAC no frequency). This sequence change replaces arginine with proline at codon 151 of the PDGFRA protein (p.Arg151Pro). The arginine residue is highly conserved and there is a moderate physicochemical difference between arginine and proline.